The following is an entry in ClinVar:

ClinVar aggregate classification (germline): Conflicting classifications of pathogenicity. Review status: criteria provided, conflicting classifications (1 of 4 stars). 6 submissions from 6 submitters: Uncertain significance (1); Benign (1); Likely benign (4). Last evaluated 2026-01-25.

Conditions:
Spastic paraplegia. Identifiers: MedGen C0037772, HP:0001258.
Hereditary spastic paraplegia 35. Also called: SPASTIC PARAPLEGIA 35, AUTOSOMAL RECESSIVE, WITH OR WITHOUT NEURODEGENERATION; LEUKODYSTROPHY, DYSMYELINATING, AND SPASTIC PARAPARESIS WITH OR WITHOUT DYSTONIA; Spastic paraplegia 35, autosomal recessive; Spastic paraplegia 35. Identifiers: Orphanet 171629, MedGen C3496228, MONDO:0012866, OMIM 612319.

Allele frequency attached by ClinVar (database versions not stated): ExAC 0.00119; gnomAD 0.00191; TOPMed 0.00231; ESP Exome Variant Server 0.00232; 1000 Genomes Project 0.00339; 1000 Genomes Project 30x 0.00359.
gnomAD v4.1: 697 of 1,559,852 alleles (0.045%); highest among the groups gnomAD compares: African/African-American, 0.75%; 5 homozygotes.

Submissions (6):

Labcorp Genetics (formerly Invitae), Labcorp
Classification: Benign for Spastic paraplegia. Last evaluated: 2026-01-25. Review status: criteria provided, single submitter. Criteria: Invitae Variant Classification Sherloc (09022015). Collection method: clinical testing. Allele origin: germline.

Blueprint Genetics
Classification: Likely benign. Last evaluated: 2024-07-19. Review status: criteria provided, single submitter. Criteria: ACMG Guidelines, 2015. Collection method: clinical testing. Allele origin: germline.

CeGaT Center for Human Genetics Tuebingen
Classification: Likely benign. Last evaluated: 2024-04-01. Review status: criteria provided, single submitter. Criteria: CeGaT Center For Human Genetics Tuebingen Variant Classification Criteria Version 2. Collection method: clinical testing. Allele origin: germline. Affected: yes. Observed: 1 variant allele.
Comment: FA2H: BP4, BP7, BS2

GeneDx
Classification: Likely benign. Last evaluated: 2020-01-24. Review status: criteria provided, single submitter. Criteria: GeneDx Variant Classification Process June 2021. Collection method: clinical testing. Allele origin: germline. Affected: yes.

Illumina Laboratory Services, Illumina
Classification: Likely benign for Hereditary spastic paraplegia 35. Last evaluated: 2018-01-12. Review status: criteria provided, single submitter. Criteria: ICSL Variant Classification Criteria 13 December 2019. Collection method: clinical testing. Allele origin: germline.
Comment: This variant was observed in the ICSL laboratory as part of a predisposition screen in an ostensibly healthy population. It had not been previously curated by ICSL or reported in the Human Gene Mutation Database (HGMD: prior to June 1st, 2018), and was therefore a candidate for classification through an automated scoring system. Utilizing variant allele frequency, disease prevalence and penetrance estimates, and inheritance mode, an automated score was calculated to assess if this variant is too frequent to cause the disease. Based on the score and internal cut-off values, a variant classified as likely benign is not then subjected to further curation. The score for this variant resulted in a classification of likely benign for this disease.

Athena Diagnostics
Classification: Uncertain significance. Last evaluated: 2016-09-14. Review status: criteria provided, single submitter. Criteria: Athena Diagnostics Criteria. Collection method: clinical testing. Allele origin: germline.

NM_024306.5(FA2H):c.1113G>C (p.Thr371=)

Gene: FA2H (fatty acid 2-hydroxylase; minus strand). Cytogenetic location: 16q23.1.
Variant type: single nucleotide variant.
Coding change: c.1113G>C on transcript NM_024306.5 (MANE Select); coding-DNA position 1113, G replaced by C.
Protein change: p.Thr371=; no amino-acid change (threonine 371 retained).
Molecular consequence: synonymous variant.
Genome position (GRCh38, 1-based): chr16:74,714,196, C>G on the plus strand (G>C on the coding strand, the complement: FA2H is on the minus strand). VCF-style: chr16-74714196-C-G. GRCh37 (hg19) VCF-style: chr16-74748094-C-G.
Identifiers: ClinVar variation 320491 (VCV000320491.38), dbSNP rs140017632, ClinGen allele CA8170302.
Genomic context (GRCh38, chr16:74,714,196, plus strand): 5'-GGTCGGGAAGGGGCCAGGGCCGGGCTGAGGGCAGGACGGAGGGGGTGGGAGTTGTCACTG[C>G]GTCTTCAGGTGGGGTTTCTCTGGAGTGAGGGTGTGGAAACAGTAATCCCACAATTTAGTG-3'
Protein context (NP_077282.3, residues 361-372): TLTPEKPHLK[Thr371=]Q